The following is an entry in ClinVar:

NM_001165963.4(SCN1A):c.4111G>A (p.Gly1371Ser)

Genes: SCN1A (sodium voltage-gated channel alpha subunit 1; minus strand), LOC102724058 (uncharacterized LOC102724058; plus strand). Cytogenetic location: 2q24.3.
Variant type: single nucleotide variant.
Coding change: c.4111G>A on transcript NM_001165963.4 (MANE Select); coding-DNA position 4111, G replaced by A.
Protein change: p.Gly1371Ser; replaces glycine 1371 with serine.
Molecular consequence: missense variant. On other transcripts: non-coding transcript variant (1).
Genome position (GRCh38, 1-based): chr2:166,002,645, C>T on the plus strand (G>A on the coding strand, the complement: SCN1A is on the minus strand). VCF-style: chr2-166002645-C-T. GRCh37 (hg19) VCF-style: chr2-166859155-C-T.
Other names: c.4027G>A, p.Gly1343Ser (NM_001165964.3, NM_001353957.2, NM_001353958.2); c.4111G>A, p.Gly1371Ser (NM_001202435.3, NM_001353948.2); c.4078G>A, p.Gly1360Ser (NM_001353949.2, NM_001353950.2, NM_006920.6 and 2 more transcripts); c.4075G>A, p.Gly1359Ser (NM_001353954.2, NM_001353955.2); c.4024G>A, p.Gly1342Ser (NM_001353960.2); c.1669G>A, p.Gly557Ser (NM_001353961.2); short protein forms G1359S, G1342S, G1343S, G557S, G1360S, G1371S.
Identifiers: ClinVar variation 2695304 (VCV002695304.3), dbSNP rs1064795303, ClinGen allele CA349050421.

ClinVar aggregate classification (germline): Likely pathogenic (1 of 4 stars; one submission).

Conditions:
Early-infantile DEE. Also called: Ohtahara syndrome; Early infantile epileptic encephalopathy with suppression bursts; Early infantile epileptic encephalopathy. Identifiers: Orphanet 1934, MedGen C0393706, MONDO:0800491.

Submission:

Labcorp Genetics (formerly Invitae), Labcorp
Classification: Likely pathogenic for Early-infantile DEE. Last evaluated: 2023-11-12. Review status: criteria provided, single submitter. Criteria: Invitae Variant Classification Sherloc (09022015). Collection method: clinical testing. Allele origin: germline.
Comment: This sequence change replaces glycine, which is neutral and non-polar, with serine, which is neutral and polar, at codon 1371 of the SCN1A protein (p.Gly1371Ser). This variant is not present in population databases (gnomAD no frequency). This variant has not been reported in the literature in individuals affected with SCN1A-related conditions. Advanced modeling of protein sequence and biophysical properties (such as structural, functional, and spatial information, amino acid conservation, physicochemical variation, residue mobility, and thermodynamic stability) performed at Invitae indicates that this missense variant is expected to disrupt SCN1A protein function with a positive predictive value of 95%. This variant disrupts the p.Gly1371 amino acid residue in SCN1A. Other variant(s) that disrupt this residue have been determined to be pathogenic (PMID: 24656210). This suggests that this residue is clinically significant, and that variants that disrupt this residue are likely to be disease-causing. In summary, the currently available evidence indicates that the variant is pathogenic, but additional data are needed to prove that conclusively. Therefore, this variant has been classified as Likely Pathogenic.

Literature cited by the submitters: PubMed 24656210.